The following is an entry in ClinVar:

NM_144997.7(FLCN):c.629C>T (p.Ala210Val)

Gene: FLCN (folliculin; minus strand). Cytogenetic location: 17p11.2.
Variant type: single nucleotide variant.
Coding change: c.629C>T on transcript NM_144997.7 (MANE Select); coding-DNA position 629, C replaced by T.
Protein change: p.Ala210Val; replaces alanine 210 with valine.
Molecular consequence: missense variant.
Genome position (GRCh38, 1-based): chr17:17,222,651, G>A on the plus strand (C>T on the coding strand, the complement: FLCN is on the minus strand). VCF-style: chr17-17222651-G-A. GRCh37 (hg19) VCF-style: chr17-17125965-G-A.
Other names: c.683C>T, p.Ala228Val (NM_001353229.2); c.629C>T, p.Ala210Val (NM_001353230.2, NM_001353231.2, NM_144606.7); short protein forms A210V, A228V.
Identifiers: ClinVar variation 1387371 (VCV001387371.8), dbSNP rs2144952237, ClinGen allele CA398534130.

ClinVar aggregate classification (germline): Uncertain significance (1 of 4 stars; one submission).

Conditions:
Birt-Hogg-Dube syndrome. Also called: Birt Hogg Dubé syndrome. Identifiers: Orphanet 122, MedGen C0346010, MONDO:0800444.

Allele frequency attached by ClinVar (database versions not stated): gnomAD exomes below 0.00001.
gnomAD v4.1: 1 of 1,614,154 alleles (0.000062%); highest among the groups gnomAD compares: Non-Finnish European, 0.000085%; no homozygotes.

Submission:

Labcorp Genetics (formerly Invitae), Labcorp
Classification: Uncertain significance for Birt-Hogg-Dube syndrome. Last evaluated: 2021-01-22. Review status: criteria provided, single submitter. Criteria: Invitae Variant Classification Sherloc (09022015). Collection method: clinical testing. Allele origin: germline.
Comment: Algorithms developed to predict the effect of sequence changes on RNA splicing suggest that this variant may create or strengthen a splice site, but this prediction has not been confirmed by published transcriptional studies. In summary, the available evidence is currently insufficient to determine the role of this variant in disease. Therefore, it has been classified as a Variant of Uncertain Significance. Algorithms developed to predict the effect of missense changes on protein structure and function are either unavailable or do not agree on the potential impact of this missense change (SIFT: "Deleterious"; PolyPhen-2: "Benign"; Align-GVGD: "Class C0"). This sequence change replaces alanine with valine at codon 210 of the FLCN protein (p.Ala210Val). The alanine residue is moderately conserved and there is a small physicochemical difference between alanine and valine. This variant has not been reported in the literature in individuals with FLCN-related conditions. This variant is not present in population databases (ExAC no frequency).